The following is an entry in ClinVar:

NM_001807.6(CEL):c.2063G>A (p.Gly688Asp)

Gene: CEL (carboxyl ester lipase; plus strand). Cytogenetic location: 9q34.13.
Variant type: single nucleotide variant.
Coding change: c.2063G>A on transcript NM_001807.6 (MANE Select); coding-DNA position 2063, G replaced by A.
Protein change: p.Gly688Asp; replaces glycine 688 with aspartic acid.
Molecular consequence: missense variant.
Genome position (GRCh38, 1-based): chr9:133,071,565, G>A. VCF-style: chr9-133071565-G-A. GRCh37 (hg19) VCF-style: chr9-135946952-G-A.
Other names: short protein forms G688D.
Identifiers: ClinVar variation 5038628 (VCV005038628.1).

ClinVar aggregate classification (germline): Likely benign (1 of 4 stars; one submission).

Submission:

CeGaT Center for Human Genetics Tuebingen
Classification: Likely benign. Last evaluated: 2026-07-01. Review status: criteria provided, single submitter. Criteria: CeGaT Center For Human Genetics Tuebingen Variant Classification Criteria Version 2. Collection method: clinical testing. Allele origin: germline. Affected: yes. Observed: 1 variant allele.
Comment: CEL: BS2